The following is an entry in ClinVar:

NM_022132.5(MCCC2):c.617T>C (p.Ile206Thr)

Gene: MCCC2 (methylcrotonyl-CoA carboxylase subunit 2; plus strand). Cytogenetic location: 5q13.2.
Variant type: single nucleotide variant.
Coding change: c.617T>C on transcript NM_022132.5 (MANE Select); coding-DNA position 617, T replaced by C.
Protein change: p.Ile206Thr; replaces isoleucine 206 with threonine.
Molecular consequence: missense variant.
Genome position (GRCh38, 1-based): chr5:71,604,461, T>C. VCF-style: chr5-71604461-T-C. GRCh37 (hg19) VCF-style: chr5-70900288-T-C.
Other names: c.617T>C, p.Ile206Thr (NM_001363147.1); c.617T>C (NM_022132.4); short protein forms I206T.
Identifiers: ClinVar variation 1009980 (VCV001009980.9), dbSNP rs1745586663, ClinGen allele CA360012326.

ClinVar aggregate classification (germline): Uncertain significance. Review status: criteria provided, multiple submitters, no conflicts (2 of 4 stars). 2 submissions from 2 submitters: Uncertain significance (2). Last evaluated 2025-10-16.

Conditions:
MCCC2-related disorder. Also called: MCCC2-related condition.
3-methylcrotonyl-CoA carboxylase 2 deficiency. Also called: 3 alpha methylcrotonyl-CoA carboxylase 2 deficiency; 3 alpha methylcrotonylglycinuria 2; MCC 2 deficiency; Methylcrotonylglycinuria type 2; METHYLCROTONYLGLYCINURIA, TYPE II. Identifiers: Orphanet 6, MedGen C1859499, MONDO:0008862, OMIM 210210.

Allele frequency attached by ClinVar (database versions not stated): gnomAD exomes 0.00001.

Submissions (2):

Labcorp Genetics (formerly Invitae), Labcorp
Classification: Uncertain significance for 3-methylcrotonyl-CoA carboxylase 2 deficiency. Last evaluated: 2025-10-16. Review status: criteria provided, single submitter. Criteria: Invitae Variant Classification Sherloc (09022015). Collection method: clinical testing. Allele origin: germline.
Comment: This sequence change replaces isoleucine, which is neutral and non-polar, with threonine, which is neutral and polar, at codon 206 of the MCCC2 protein (p.Ile206Thr). This variant is not present in population databases (gnomAD no frequency). This missense change has been observed in individual(s) with 3-methylcrotonyl-CoA carboxylase deficiency (internal data). In at least one individual the data is consistent with being in trans (on the opposite chromosome) from a pathogenic variant. ClinVar contains an entry for this variant (Variation ID: 1009980). Invitae Evidence Modeling of protein sequence and biophysical properties (such as structural, functional, and spatial information, amino acid conservation, physicochemical variation, residue mobility, and thermodynamic stability) indicates that this missense variant is expected to disrupt MCCC2 protein function with a positive predictive value of 80%. In summary, the available evidence is currently insufficient to determine the role of this variant in disease. Therefore, it has been classified as a Variant of Uncertain Significance.

PreventionGenetics, part of Exact Sciences
Classification: Uncertain significance for MCCC2-related condition. Last evaluated: 2023-02-19. Review status: criteria provided, single submitter. Criteria: ACMG Guidelines, 2015. Collection method: clinical testing. Allele origin: germline.
Comment: The MCCC2 c.617T>C variant is predicted to result in the amino acid substitution p.Ile206Thr. To our knowledge, this variant has not been reported in the literature or in a large population database, indicating this variant is rare. At this time, the clinical significance of this variant is uncertain due to the absence of conclusive functional and genetic evidence.